The following is an entry in ClinVar:

ClinVar aggregate classification (germline): Uncertain significance (1 of 4 stars; one submission).

Conditions:
Bethlem myopathy 1A. Also called: MYOPATHY, BENIGN CONGENITAL, WITH CONTRACTURES; Bethlem myopathy 1; Bethlem Muscular Dystrophy. Identifiers: Orphanet 610, MedGen CN029274, MONDO:0024530, OMIM 158810.

Submission:

Labcorp Genetics (formerly Invitae), Labcorp
Classification: Uncertain significance for Bethlem myopathy 1A. Last evaluated: 2025-05-08. Review status: criteria provided, single submitter. Criteria: Invitae Variant Classification Sherloc (09022015). Collection method: clinical testing. Allele origin: germline.
Comment: This sequence change replaces isoleucine, which is neutral and non-polar, with methionine, which is neutral and non-polar, at codon 775 of the COL6A2 protein (p.Ile775Met). This variant is not present in population databases (gnomAD no frequency). This variant has not been reported in the literature in individuals affected with COL6A2-related conditions. ClinVar contains an entry for this variant (Variation ID: 3694695). Invitae Evidence Modeling of protein sequence and biophysical properties (such as structural, functional, and spatial information, amino acid conservation, physicochemical variation, residue mobility, and thermodynamic stability) has been performed for this missense variant. However, the output from this modeling did not meet the statistical confidence thresholds required to predict the impact of this variant on COL6A2 protein function. In summary, the available evidence is currently insufficient to determine the role of this variant in disease. Therefore, it has been classified as a Variant of Uncertain Significance.

NM_001849.4(COL6A2):c.2325C>G (p.Ile775Met)

Gene: COL6A2 (collagen type VI alpha 2 chain; plus strand). Cytogenetic location: 21q22.3.
Variant type: single nucleotide variant.
Coding change: c.2325C>G on transcript NM_001849.4 (MANE Select); coding-DNA position 2325, C replaced by G.
Protein change: p.Ile775Met; replaces isoleucine 775 with methionine.
Molecular consequence: missense variant.
Genome position (GRCh38, 1-based): chr21:46,126,140, C>G. VCF-style: chr21-46126140-C-G. GRCh37 (hg19) VCF-style: chr21-47546054-C-G.
Other names: c.2325C>G, p.Ile775Met (NM_058174.3, NM_058175.3); short protein forms I775M.
Identifiers: ClinVar variation 3694695 (VCV003694695.2).